The following is an entry in ClinVar:

ClinVar aggregate classification (germline): Pathogenic (1 of 4 stars; one submission).

Conditions:
Hereditary spastic paraplegia 11. Also called: Spastic Paraplegia 11; Nakamura Osame syndrome; Autosomal recessive hereditary spastic paraplegia, mental impairment, and thin corpus callosum; SPASTIC PARAPLEGIA, AUTOSOMAL RECESSIVE, COMPLICATED, WITH THIN CORPUS CALLOSUM; SPASTIC PARAPLEGIA, AUTOSOMAL RECESSIVE, WITH MENTAL IMPAIRMENT AND THIN CORPUS CALLOSUM; Spastic paraplegia, mental retardation and thin corpus callosum. Identifiers: Orphanet 2822, MedGen C1858479, MONDO:0011445, OMIM 604360.

Submission:

Labcorp Genetics (formerly Invitae), Labcorp
Classification: Pathogenic for Hereditary spastic paraplegia 11. Last evaluated: 2022-02-24. Review status: criteria provided, single submitter. Criteria: Invitae Variant Classification Sherloc (09022015). Collection method: clinical testing. Allele origin: germline.
Comment: For these reasons, this variant has been classified as Pathogenic. This variant has not been reported in the literature in individuals affected with SPG11-related conditions. This variant is a gross deletion of the genomic region encompassing exon(s) 21-25 of the SPG11 gene. This deletion is out-of-frame, and is expected to create a premature termination codon and result in an absent or disrupted protein product. Loss-of-function variants in SPG11 are known to be pathogenic (PMID: 19105190, 20110243, 22154821, 26556829).

Literature cited by the submitters: PubMed 19105190; PubMed 20110243; PubMed 22154821; PubMed 26556829.

NC_000015.9:g.(?_44888261)_(44892850_?)del

Gene: SPG11 (SPG11 vesicle trafficking associated, spatacsin; minus strand). Cytogenetic location: 15q21.1.
Variant type: Deletion.
Identifiers: ClinVar variation 1460023 (VCV001460023.7).